The following continues an entry in ClinVar:

NM_001282225.2(ADA2):c.506G>A (p.Arg169Gln)

Gene: ADA2. ClinVar aggregate classification (germline): Pathogenic/Likely pathogenic. Pathogenic (18); Likely pathogenic (3).

Submissions 13 to 30 of 30:

GeneDx
Classification: Pathogenic. Last evaluated: 2022-04-15. Review status: criteria provided, single submitter. Criteria: GeneDx Variant Classification Process June 2021. Collection method: clinical testing. Allele origin: germline. Affected: yes.
Comment: Published functional studies demonstrate a damaging effect; R169Q results in decreased ADA2 secretion and activity (Navon et al., 2014); In silico analysis supports that this missense variant has a deleterious effect on protein structure/function; This variant is associated with the following publications: (PMID: 28830446, 27130863, 29271561, 25457153, 25075846, 25075845, 27663683, 25083540, 25888558, 24552285, 28993957, 24737293, 29736678, 25278816, 28974505, 29681619, 29391253, 29564582, 27059682, 28516235, 28493328, 28805790, 29273180, 29411230, 26867732, 26922074, 27514238, 28522451, 24552284, 30924144, 31393689, 33021335, 30386947, 31980526, 32353633, 33726816, 32499645, 32581362, 33757531, 33517505)

Baylor Genetics
Classification: Pathogenic for Deficiency of adenosine deaminase 2. Last evaluated: 2022-02-08. Review status: criteria provided, single submitter. Criteria: ACMG Guidelines, 2015. Collection method: clinical testing. Allele origin: unknown.

Genetic Services Laboratory, University of Chicago
Classification: Pathogenic. Last evaluated: 2021-06-16. Review status: criteria provided, single submitter. Criteria: ACMG Guidelines, 2015. Collection method: clinical testing. Allele origin: germline. Affected: yes.
Comment: DNA sequence analysis of the ADA2 gene demonstrated a sequence change, c.506G>A, in exon 3 that results in an amino acid change, p.Arg169Gln. This sequence change is a well-described pathogenic variant in both the homozygous and compound heterozygous state in individuals with ADA2-related disorders (PMID: 24552285, 28993957, 25457153, 29391253, 32499645, 26922074, 28493328, 30924144, 32353633). This sequence change has been described in the gnomAD database with frequency of 0.19% in the Finnish subpopulation (dbSNP rs77563738). The p.Arg169Gln change affects highly conserved amino acid residue located in a domain of the ADA2 protein that is known to be functional. Although, in-silico pathogenicity prediction tools (SIFT, PolyPhen2, Align GVGD, REVEL) provide contradictory results for the p.Arg169Gln substitution, experimental studies have demonstrated that this variant impacts ADA2 activity (PMID: 26867732, 24552285).

Johns Hopkins Genomics, Johns Hopkins University
Classification: Pathogenic for Deficiency of adenosine deaminase 2. Last evaluated: 2020-12-02. Review status: criteria provided, single submitter. Criteria: ACMG Guidelines, 2015. Collection method: clinical testing. Allele origin: germline.
Comment: This ADA2 variant has been identified in numerous patients with ADA2-deficiency in both the compound heterozygous and homozygous state. ADA2 c.506G>A is located within the putative receptor-binding domain and functional studies have demonstrated that this variant causes severely decreased levels of secreted ADA2. This variant has been seen in trans with a second disease-causing ADA2 variant in affected individuals within a family. ADA2 c.506G>A (rs77563738) is present in a large population dataset (gnomAD: 134/282860 total alleles; 0.05%; no homozygotes) and has been reported in ClinVar. Three bioinformatic tools queried predict that this substitution would be damaging, and the arginine residue at this position is highly evolutionarily conserved across most species assessed. We consider this variant to be pathogenic.

Women's Health and Genetics/Laboratory Corporation of America, LabCorp
Classification: Pathogenic for Polyarteritis nodosa, childhoood-onset. Last evaluated: 2020-11-24. Review status: criteria provided, single submitter. Criteria: LabCorp Variant Classification Summary - May 2015. Collection method: clinical testing. Allele origin: germline.
Comment: Variant summary: CECR1 c.506G>A (p.Arg169Gln) results in a conservative amino acid change in the encoded protein sequence. CECR1 is also known as ADA2 in the literature and databases. Three of five in-silico tools predict a damaging effect of the variant on protein function. The variant allele was found at a frequency of 0.00047 in 251456 control chromosomes (gnomAD). c.506G>A has been reported (in both homozygous and compound heterozygous states) in the literature in individuals affected with Polyarteritis Nodosa, Childhoood-Onset (e.g. Elkan_2014, Zhou_2014) and ADA2-deficiency (e.g. VanMontfrans_2016). In many families, the variant was reported to segregate with disease. These data indicate that the variant is very likely to be associated with disease. In functional studies performed in both patient-derived cells and in cells transfected with the variant, c.506G>A resulted in reduced enzymatic activity as well as reduced protein secretion (e.g. VanMontfrans_2016, Elkan_2014). Four ClinVar submitters (evaluation after 2014) cite the variant as pathogenic/likely pathogenic. Based on the evidence outlined above, the variant was classified as pathogenic.

NIHR Bioresource Rare Diseases, University of Cambridge
Classification: Likely pathogenic for Inherited Immunodeficiency Diseases. Last evaluated: 2019-01-01. Review status: criteria provided, single submitter. Criteria: ACMG Guidelines, 2015. Collection method: research. Allele origin: germline. Affected: yes. Observed: 1 heterozygote.

CENTOGENE GmbH and LLC - Guiding Precision Medicine
Classification: Pathogenic for Deficiency of adenosine deaminase 2. Last evaluated: 2017-06-06. Review status: criteria provided, single submitter. Criteria: ACMG Guidelines, 2015. Collection method: clinical testing. Allele origin: germline. Affected: yes.

Genome Diagnostics Laboratory, The Hospital for Sick Children
Classification: Likely pathogenic for Autoinflammatory syndrome. Last evaluated: 2017-02-17. Review status: criteria provided, single submitter. Criteria: ACMG Guidelines, 2015. Collection method: clinical testing. Allele origin: germline. Affected: yes.

Institute for Medical Genetics and Human Genetics, Charité - Universitätsmedizin Berlin
Classification: Pathogenic. Review status: criteria provided, single submitter. Criteria: ACMG Guidelines, 2015. Collection method: not provided. Allele origin: germline. Affected: yes.

PreventionGenetics, part of Exact Sciences
Classification: Pathogenic for ADA2-related condition. Last evaluated: 2024-09-06. Review status: no assertion criteria provided. Collection method: clinical testing. Allele origin: germline. Not counted in ClinVar's aggregate classification.
Comment: The ADA2 c.506G>A variant is predicted to result in the amino acid substitution p.Arg169Gln. This variant in the compound heterozygous or homozygous state has been reported in patients with a complex immunologic and vascular phenotype, including polyarteritis nodosa (Navon Elkan et al. 2014. PubMed ID: 24552285; Van Eyck et al. 2015. PubMed ID: 25457153; Van Montfrans et al. 2016. PubMed ID: 26867732). This variant is reported in 0.19% of alleles in individuals of European (Finnish) descent in gnomAD. This variant is interpreted as pathogenic.

OMIM
Classification: Pathogenic for VASCULITIS, AUTOINFLAMMATION, IMMUNODEFICIENCY, AND HEMATOLOGIC DEFECTS SYNDROME. Last evaluated: 2014-03-06. Review status: no assertion criteria provided. Collection method: literature only. Allele origin: germline. Not counted in ClinVar's aggregate classification.

Clinical Genetics DNA and cytogenetics Diagnostics Lab, Erasmus MC, Erasmus Medical Center
Classification: Pathogenic. Review status: no assertion criteria provided. Collection method: clinical testing. Allele origin: germline. Affected: yes. Study: VKGL Data-share Consensus. Not counted in ClinVar's aggregate classification.

Diagnostic Laboratory, Department of Genetics, University Medical Center Groningen
Classification: Pathogenic. Review status: no assertion criteria provided. Collection method: clinical testing. Allele origin: germline. Affected: yes. Study: VKGL Data-share Consensus. Not counted in ClinVar's aggregate classification.

GeneReviews
No classification provided. Condition: Deficiency of adenosine deaminase 2. Review status: no classification provided. Collection method: literature only. Allele origin: germline. Not counted in ClinVar's aggregate classification.

Genome Diagnostics Laboratory, Amsterdam University Medical Center
Classification: Pathogenic. Review status: no assertion criteria provided. Collection method: clinical testing. Allele origin: germline. Affected: yes. Study: VKGL Data-share Consensus. Not counted in ClinVar's aggregate classification.

Genome Diagnostics Laboratory, University Medical Center Utrecht
Classification: Pathogenic. Review status: no assertion criteria provided. Collection method: clinical testing. Allele origin: germline. Affected: yes. Study: VKGL Data-share Consensus. Not counted in ClinVar's aggregate classification.

Genomics England Pilot Project, Genomics England
Classification: Likely pathogenic for Deficiency of adenosine deaminase 2. Review status: no assertion criteria provided. Criteria: ACGS Guidelines, 2016. Collection method: clinical testing. Allele origin: germline. Affected: yes. Not counted in ClinVar's aggregate classification.

Joint Genome Diagnostic Labs from Nijmegen and Maastricht, Radboudumc and MUMC+
Classification: Pathogenic. Review status: no assertion criteria provided. Collection method: clinical testing. Allele origin: germline. Affected: yes. Study: VKGL Data-share Consensus. Not counted in ClinVar's aggregate classification.

Literature cited by the submitters: PubMed 24552284 (cited by 6 submitters); PubMed 24552285 (cited by 7 submitters); PubMed 25888558 (cited by 4 submitters); PubMed 26867732 (cited by 8 submitters); PubMed 33517505 (cited by 3billion and Mayo Clinic Laboratories, Mayo Clinic); PubMed 25075845 (cited by Mayo Clinic Laboratories, Mayo Clinic); PubMed 25075846 (cited by Mayo Clinic Laboratories, Mayo Clinic); PubMed 25083540 (cited by Mayo Clinic Laboratories, Mayo Clinic); PubMed 26922074 (cited by Mayo Clinic Laboratories, Mayo Clinic); PubMed 28493328 (cited by Mayo Clinic Laboratories, Mayo Clinic); PubMed 29391253 (cited by Mayo Clinic Laboratories, Mayo Clinic); PubMed 34004258 (cited by Mayo Clinic Laboratories, Mayo Clinic); PubMed 31393689 (cited by GeneReviews).